The following is an entry in ClinVar:

NM_000263.4(NAGLU):c.1863G>A (p.Trp621Ter)

Gene: NAGLU (N-acetyl-alpha-glucosaminidase; plus strand). Cytogenetic location: 17q21.2.
Variant type: single nucleotide variant.
Coding change: c.1863G>A on transcript NM_000263.4 (MANE Select); coding-DNA position 1863, G replaced by A.
Protein change: p.Trp621Ter; replaces tryptophan 621 with a stop codon.
Molecular consequence: nonsense.
Genome position (GRCh38, 1-based): chr17:42,543,869, G>A. VCF-style: chr17-42543869-G-A. GRCh37 (hg19) VCF-style: chr17-40695887-G-A.
Other names: short protein forms W621*.
Identifiers: ClinVar variation 551779 (VCV000551779.7), dbSNP rs1555622488, ClinGen allele CA399605222.
Genomic context (GRCh38, chr17:42,543,869, plus strand): 5'-GCTGCTGCCGGCACTGGACGAGGTGCTGGCTAGTGACAGCCGCTTCTTGCTGGGCAGCTG[G>A]CTAGAGCAGGCCCGAGCAGCGGCAGTCAGTGAGGCCGAGGCCGATTTCTACGAGCAGAAC-3'

ClinVar aggregate classification (germline): Pathogenic/Likely pathogenic. Review status: criteria provided, multiple submitters, no conflicts (2 of 4 stars). 3 submissions from 3 submitters: Pathogenic (1); Likely pathogenic (1). 1 of the submissions does not count toward it. Last evaluated 2024-02-29.

Conditions:
Mucopolysaccharidosis, MPS-III-B (MPS3B). Also called: SANFILIPPO SYNDROME B; MPS III B; MUCOPOLYSACCHARIDOSIS, TYPE IIIB; Mucopolysaccharidosis type IIIB (Sanfilippo B); MPS IIIB (Sanfilippo Syndrome Type B); N-ACETYL-ALPHA-D-GLUCOSAMINIDASE DEFICIENCY. Identifiers: Orphanet 79270, MedGen C0086648, MONDO:0009656, OMIM 252920.
Charcot-Marie-Tooth disease axonal type 2V. Also called: CHARCOT-MARIE-TOOTH NEUROPATHY, TYPE 2V; CHARCOT-MARIE-TOOTH DISEASE, AXONAL, AUTOSOMAL DOMINANT, TYPE 2V. Identifiers: Orphanet 447964, MedGen C5569050, MONDO:0014665, OMIM 616491.

Submissions (3):

Fulgent Genetics
Classification: Likely pathogenic for Mucopolysaccharidosis, MPS-III-B; Charcot-Marie-Tooth disease axonal type 2V. Last evaluated: 2024-02-29. Review status: criteria provided, single submitter. Criteria: ACMG Guidelines, 2015. Collection method: clinical testing. Allele origin: germline.

Labcorp Genetics (formerly Invitae), Labcorp
Classification: Pathogenic for Charcot-Marie-Tooth disease axonal type 2V; Mucopolysaccharidosis, MPS-III-B. Last evaluated: 2022-09-07. Review status: criteria provided, single submitter. Criteria: Invitae Variant Classification Sherloc (09022015). Collection method: clinical testing. Allele origin: germline.
Comment: This variant is not present in population databases (gnomAD no frequency). This sequence change creates a premature translational stop signal (p.Trp621*) in the NAGLU gene. While this is not anticipated to result in nonsense mediated decay, it is expected to disrupt the last 123 amino acid(s) of the NAGLU protein. This variant has not been reported in the literature in individuals affected with NAGLU-related conditions. For these reasons, this variant has been classified as Pathogenic. This variant disrupts a region of the NAGLU protein in which other variant(s) (p.Gln706*) have been determined to be pathogenic (PMID: 9443875, 29661560). This suggests that this is a clinically significant region of the protein, and that variants that disrupt it are likely to be disease-causing. ClinVar contains an entry for this variant (Variation ID: 551779).

Counsyl
Classification: Likely pathogenic for Mucopolysaccharidosis, MPS-III-B. Last evaluated: 2017-05-09. Review status: no assertion criteria provided. Collection method: clinical testing. Allele origin: unknown. Not counted in ClinVar's aggregate classification.

Literature cited by the submitters: PubMed 9443875 (cited by Labcorp Genetics (formerly Invitae), Labcorp); PubMed 29661560 (cited by Labcorp Genetics (formerly Invitae), Labcorp).